The following is an entry in ClinVar:

ClinVar aggregate classification (germline): Uncertain significance (1 of 4 stars; one submission).

Conditions:
Short-rib thoracic dysplasia 14 with polydactyly (SRTD14). Identifiers: Orphanet 397715, MedGen C4225286, MONDO:0014688, OMIM 616546.
Joubert syndrome 23 (JBTS23). Identifiers: Orphanet 475, MedGen C4084822, MONDO:0014664, OMIM 616490.

Submission:

Labcorp Genetics (formerly Invitae), Labcorp
Classification: Uncertain significance for Joubert syndrome 23; Short-rib thoracic dysplasia 14 with polydactyly. Last evaluated: 2022-08-31. Review status: criteria provided, single submitter. Criteria: Invitae Variant Classification Sherloc (09022015). Collection method: clinical testing. Allele origin: germline.
Comment: In summary, the available evidence is currently insufficient to determine the role of this variant in disease. Therefore, it has been classified as a Variant of Uncertain Significance. Algorithms developed to predict the effect of missense changes on protein structure and function are either unavailable or do not agree on the potential impact of this missense change (SIFT: "Tolerated"; PolyPhen-2: "Possibly Damaging"; Align-GVGD: "Class C0"). ClinVar contains an entry for this variant (Variation ID: 1445815). This variant has not been reported in the literature in individuals affected with KIAA0586-related conditions. This variant is not present in population databases (gnomAD no frequency). This sequence change replaces leucine, which is neutral and non-polar, with valine, which is neutral and non-polar, at codon 1587 of the KIAA0586 protein (p.Leu1587Val).

NM_001329943.3(KIAA0586):c.4515C>G (p.Leu1505=)

Gene: KIAA0586 (KIAA0586; plus strand). Cytogenetic location: 14q23.1.
Variant type: single nucleotide variant.
Coding change: c.4515C>G on transcript NM_001329943.3 (MANE Select); coding-DNA position 4515, C replaced by G.
Protein change: p.Leu1505=; no amino-acid change (leucine 1505 retained).
Molecular consequence: synonymous variant. On other transcripts: missense variant (2).
Genome position (GRCh38, 1-based): chr14:58,547,800, C>G. VCF-style: chr14-58547800-C-G. GRCh37 (hg19) VCF-style: chr14-59014518-C-G.
Other names: c.4759C>G, p.Leu1587Val (NM_001244189.2); c.4470C>G, p.Leu1490= (NM_001244190.2); c.4260C>G, p.Leu1420= (NM_001244191.2, NM_001364701.2); c.4383C>G, p.Leu1461= (NM_001244192.2, NM_001329947.2); c.4600C>G, p.Leu1534Val (NM_001329944.2); c.4194C>G, p.Leu1398= (NM_001329945.2); c.4449C>G, p.Leu1483= (NM_001329946.2); c.4287C>G, p.Leu1429= (NM_014749.5); short protein forms L1534V, L1587V.
Identifiers: ClinVar variation 1445815 (VCV001445815.8), dbSNP rs2140156234, ClinGen allele CA390059273.